The following is an entry in ClinVar:

ClinVar aggregate classification (germline): Uncertain significance (1 of 4 stars; one submission).

Allele frequency attached by ClinVar (database versions not stated): TOPMed below 0.00001; gnomAD 0.00001.

Submission:

Labcorp Genetics (formerly Invitae), Labcorp
Classification: Uncertain significance. Last evaluated: 2020-12-14. Review status: criteria provided, single submitter. Criteria: Invitae Variant Classification Sherloc (09022015). Collection method: clinical testing. Allele origin: germline.
Comment: This variant is not present in population databases (ExAC no frequency). This sequence change replaces threonine with isoleucine at codon 635 of the UNC80 protein (p.Thr635Ile). The threonine residue is weakly conserved and there is a moderate physicochemical difference between threonine and isoleucine. This variant has not been reported in the literature in individuals with UNC80-related conditions. In summary, the available evidence is currently insufficient to determine the role of this variant in disease. Therefore, it has been classified as a Variant of Uncertain Significance. Algorithms developed to predict the effect of missense changes on protein structure and function are either unavailable or do not agree on the potential impact of this missense change (SIFT: "Not Available"; PolyPhen-2: "Possibly Damaging"; Align-GVGD: "Not Available").

NM_001371986.1(UNC80):c.1904C>T (p.Thr635Ile)

Gene: UNC80 (unc-80 subunit of NALCN channel complex; plus strand). Cytogenetic location: 2q34.
Variant type: single nucleotide variant.
Coding change: c.1904C>T on transcript NM_001371986.1 (MANE Select); coding-DNA position 1904, C replaced by T.
Protein change: p.Thr635Ile; replaces threonine 635 with isoleucine.
Molecular consequence: missense variant.
Genome position (GRCh38, 1-based): chr2:209,819,203, C>T. VCF-style: chr2-209819203-C-T. GRCh37 (hg19) VCF-style: chr2-210683927-C-T.
Other names: c.1904C>T, p.Thr635Ile (NM_032504.2, NM_182587.4); short protein forms T635I.
Identifiers: ClinVar variation 1428810 (VCV001428810.6), dbSNP rs759633295, ClinGen allele CA350135935.